The following is an entry in ClinVar:

ClinVar aggregate classification (germline): Uncertain significance. Review status: criteria provided, single submitter (1 of 4 stars). 2 submissions from 1 submitter: Uncertain significance (2). Last evaluated 2019-11-13.

Conditions:
Generalized juvenile polyposis/juvenile polyposis coli. Also called: Juvenile polyposis coli. Identifiers: Orphanet 329971, MedGen C1868081, MONDO:0008276.
Juvenile polyposis syndrome (JPS). Identifiers: Orphanet 2929, MedGen C0345893, MONDO:0017380, OMIM 174900.

Submissions (2):

Labcorp Genetics (formerly Invitae), Labcorp
Classification: Uncertain significance for Juvenile polyposis syndrome. Last evaluated: 2019-11-13. Review status: criteria provided, single submitter. Criteria: Invitae Variant Classification Sherloc (09022015). Collection method: clinical testing. Allele origin: germline.
Comment: This variant results in a copy number gain of the genomic region encompassing the full coding sequence of the SMAD4 gene. The boundaries of this event are unknown as they extend beyond the assayed region for this gene and therefore may encompass additional genes. As the precise location of this event is unknown, it may be in tandem or it may be located elsewhere in the genome. This variant has not been reported in the literature in individuals with SMAD4-related conditions. In summary, the available evidence is currently insufficient to determine the role of this variant in disease. Therefore, it has been classified as a Variant of Uncertain Significance.

Labcorp Genetics (formerly Invitae), Labcorp
Classification: Uncertain significance for Juvenile polyposis syndrome. Last evaluated: 2019-11-11. Review status: criteria provided, single submitter. Criteria: Invitae Variant Classification Sherloc (09022015). Collection method: clinical testing. Allele origin: germline.
Comment: the same text as in the submission from Labcorp Genetics (formerly Invitae), Labcorp above.

NC_000018.9:g.(?_48556583)_(48604847_?)dup

Gene: SMAD4 (SMAD family member 4; plus strand). Cytogenetic location: 18q21.2.
Variant type: Duplication.
Identifiers: ClinVar variation 659588 (VCV000659588.3).